The following is an entry in ClinVar:

ClinVar aggregate classification (germline): Uncertain significance (1 of 4 stars; one submission).

Conditions:
Cardiomyopathy (CMYO). Also called: Cardiomyopathies. Identifiers: Orphanet 167848, MedGen C0878544, MONDO:0004994, HP:0001638. Inheritance: Various modes of inheritance.

Allele frequency attached by ClinVar (database versions not stated): gnomAD exomes below 0.00001.
gnomAD v4.1: 1 of 1,614,106 alleles (0.000062%); highest among the groups gnomAD compares: Non-Finnish European, 0.000085%; no homozygotes.

Submission:

Color Diagnostics, LLC DBA Color Health
Classification: Uncertain significance for Cardiomyopathy. Last evaluated: 2024-03-06. Review status: criteria provided, single submitter. Criteria: ACMG Guidelines, 2015. Collection method: clinical testing. Allele origin: germline.
Comment: This missense variant replaces lysine with threonine at codon 239 of the DSP protein. Computational prediction is inconclusive regarding the impact of this variant on protein structure and function (internally defined REVEL score threshold 0.5 < inconclusive < 0.7, PMID: 27666373). To our knowledge, functional studies have not been reported for this variant. This variant has not been reported in individuals affected with cardiovascular disorders in the literature. This variant has been identified in 1/251408 chromosomes in the general population by the Genome Aggregation Database (gnomAD). The available evidence is insufficient to determine the role of this variant in disease conclusively. Therefore, this variant is classified as a Variant of Uncertain Significance.

NM_004415.4(DSP):c.716A>C (p.Lys239Thr)

Gene: DSP (desmoplakin; plus strand). Cytogenetic location: 6p24.3.
Variant type: single nucleotide variant.
Coding change: c.716A>C on transcript NM_004415.4 (MANE Select); coding-DNA position 716, A replaced by C.
Protein change: p.Lys239Thr; replaces lysine 239 with threonine.
Molecular consequence: missense variant.
Genome position (GRCh38, 1-based): chr6:7,562,770, A>C. VCF-style: chr6-7562770-A-C. GRCh37 (hg19) VCF-style: chr6-7563003-A-C.
Other names: c.716A>C, p.Lys239Thr (NM_001008844.3, NM_001319034.2); short protein forms K239T.
Identifiers: ClinVar variation 1171654 (VCV001171654.3), dbSNP rs940238260, ClinGen allele CA362673617.